The following is an entry in ClinVar:

NM_032730.5(RTN4IP1):c.239C>T (p.Ala80Val)

Gene: RTN4IP1 (reticulon 4 interacting protein 1; minus strand). Cytogenetic location: 6q21.
Variant type: single nucleotide variant.
Coding change: c.239C>T on transcript NM_032730.5 (MANE Select); coding-DNA position 239, C replaced by T.
Protein change: p.Ala80Val; replaces alanine 80 with valine.
Molecular consequence: missense variant. On other transcripts: intron variant (1).
Genome position (GRCh38, 1-based): chr6:106,628,783, G>A on the plus strand (C>T on the coding strand, the complement: RTN4IP1 is on the minus strand). VCF-style: chr6-106628783-G-A. GRCh37 (hg19) VCF-style: chr6-107076658-G-A.
Other names: c.-27+1544C>T (NM_001318746.1); short protein forms A80V.
Identifiers: ClinVar variation 2059048 (VCV002059048.4), dbSNP rs749101133, ClinGen allele CA365168418.
Genomic context (GRCh38, chr6:106,628,783, plus strand): 5'-GTAACAATGTCTTTTGAAAACTTACTTCTCATATTAACGTCTATAGGATTTACACTGGCA[G>A]CGTGAACTTTGACAATGACTTCATTTGGATAGTGTATGATAGGCATCATCATGTTCTGAG-3'
Protein context (NP_116119.2, residues 70-90): YPNEVIVKVH[Ala80Val]ASVNPIDVNM

ClinVar aggregate classification (germline): Uncertain significance (1 of 4 stars; one submission).

Submission:

Labcorp Genetics (formerly Invitae), Labcorp
Classification: Uncertain significance. Last evaluated: 2021-12-24. Review status: criteria provided, single submitter. Criteria: Invitae Variant Classification Sherloc (09022015). Collection method: clinical testing. Allele origin: germline.
Comment: In summary, the available evidence is currently insufficient to determine the role of this variant in disease. Therefore, it has been classified as a Variant of Uncertain Significance. Algorithms developed to predict the effect of missense changes on protein structure and function are either unavailable or do not agree on the potential impact of this missense change (SIFT: "Tolerated"; PolyPhen-2: "Probably Damaging"; Align-GVGD: "Class C0"). This variant has not been reported in the literature in individuals affected with RTN4IP1-related conditions. This variant is not present in population databases (gnomAD no frequency). This sequence change replaces alanine, which is neutral and non-polar, with valine, which is neutral and non-polar, at codon 80 of the RTN4IP1 protein (p.Ala80Val).